The following is an entry in ClinVar:

NC_000022.10:g.(?_41907860)_(41924617_?)dup

Genes: ACO2 (aconitase 2; plus strand), POLR3H (RNA polymerase III subunit H; minus strand). Cytogenetic location: 22q13.2.
Variant type: Duplication.
Identifiers: ClinVar variation 2423685 (VCV002423685.4).

ClinVar aggregate classification (germline): Uncertain significance (1 of 4 stars; one submission).

Submission:

Labcorp Genetics (formerly Invitae), Labcorp
Classification: Uncertain significance. Last evaluated: 2023-01-19. Review status: criteria provided, single submitter. Criteria: Invitae Variant Classification Sherloc (09022015). Collection method: clinical testing. Allele origin: germline.
Comment: In summary, the available evidence is currently insufficient to determine the role of this variant in disease. Therefore, it has been classified as a Variant of Uncertain Significance. This variant has not been reported in the literature in individuals affected with ACO2-related conditions. This variant results in a copy number gain of the genomic region encompassing exon(s) 4-18 of the ACO2 gene. This region includes the termination codon of the gene. This copy number gain extends beyond the assayed region for this gene and therefore may encompass additional genes. As the precise location of this event is unknown, it may be in tandem or it may be located elsewhere in the genome.